The following is an entry in ClinVar:

NM_015374.3(SUN2):c.1921A>T (p.Ser641Cys)

Genes: GTPBP1 (GTP binding protein 1; plus strand), SUN2 (Sad1 and UNC84 domain containing 2; minus strand). Cytogenetic location: 22q13.1.
Variant type: single nucleotide variant.
Coding change: c.1921A>T on transcript NM_015374.3 (MANE Select); coding-DNA position 1921, A replaced by T.
Protein change: p.Ser641Cys; replaces serine 641 with cysteine.
Molecular consequence: missense variant.
Genome position (GRCh38, 1-based): chr22:38,738,613, T>A on the plus strand (A>T on the coding strand, the complement: SUN2 is on the minus strand). VCF-style: chr22-38738613-T-A. GRCh37 (hg19) VCF-style: chr22-39134618-T-A.
Other names: c.1984A>T, p.Ser662Cys (NM_001199579.2, NM_001394428.1); c.1921A>T, p.Ser641Cys (NM_001199580.2, NM_001394431.1, NM_001394432.1 and 3 more transcripts); c.2014A>T, p.Ser672Cys (NM_001394427.1); c.1966A>T, p.Ser656Cys (NM_001394429.1, NM_001394430.1); c.1783A>T, p.Ser595Cys (NM_001394440.1, NM_001394441.1, NM_001394439.1); c.1522A>T, p.Ser508Cys (NM_001394442.1); c.1429A>T, p.Ser477Cys (NM_001394443.1); c.1345A>T, p.Ser449Cys (NM_001394444.1, NM_001394445.1); and 2 more; short protein forms S449C, S477C, S595C, S611C, S662C, S672C, S508C, S640C.
Identifiers: ClinVar variation 1424552 (VCV001424552.8), dbSNP rs2092827661, ClinGen allele CA411583252.

ClinVar aggregate classification (germline): Uncertain significance (1 of 4 stars; one submission).

Conditions:
Emery-Dreifuss muscular dystrophy (EDMD). Also called: Scapuloperoneal syndrome, X-linked (formerly); Humeroperoneal neuromuscular disease, (formerly). Identifiers: Orphanet 261, MedGen C0410189, MONDO:0016830.

Allele frequency attached by ClinVar (database versions not stated): TOPMed below 0.00001.

Submission:

Labcorp Genetics (formerly Invitae), Labcorp
Classification: Uncertain significance for Emery-Dreifuss muscular dystrophy. Last evaluated: 2022-02-04. Review status: criteria provided, single submitter. Criteria: Invitae Variant Classification Sherloc (09022015). Collection method: clinical testing. Allele origin: germline.
Comment: In summary, the available evidence is currently insufficient to determine the role of this variant in disease. Therefore, it has been classified as a Variant of Uncertain Significance. Algorithms developed to predict the effect of missense changes on protein structure and function (SIFT, PolyPhen-2, Align-GVGD) all suggest that this variant is likely to be disruptive. This variant has not been reported in the literature in individuals affected with SUN2-related conditions. This variant is not present in population databases (gnomAD no frequency). This sequence change replaces serine, which is neutral and polar, with cysteine, which is neutral and slightly polar, at codon 641 of the SUN2 protein (p.Ser641Cys).